The following is an entry in ClinVar:

ClinVar aggregate classification (germline): Uncertain significance. Review status: criteria provided, multiple submitters, no conflicts (2 of 4 stars). 2 submissions from 2 submitters: Uncertain significance (2). Last evaluated 2025-05-23.

Conditions:
Autosomal recessive limb-girdle muscular dystrophy type 2T. Also called: Limb-girdle muscular dystrophy-dystroglycanopathy, type C14; MUSCULAR DYSTROPHY-DYSTROGLYCANOPATHY, LIMB-GIRDLE, GMPPB-RELATED; MUSCULAR DYSTROPHY, LIMB-GIRDLE, TYPE 2T; Muscular dystrophy-dystroglycanopathy (limb-girdle), type c, 14. Identifiers: Orphanet 363623, MedGen C4518000, MONDO:0014142, OMIM 615352.
Muscular dystrophy-dystroglycanopathy (congenital with impaired intellectual development), type B, 14. Also called: Congenital muscular dystrophy-dystroglycanopathy with mental retardation, type B14; MUSCULAR DYSTROPHY, CONGENITAL, GMPPB-RELATED; Muscular dystrophy-dystroglycanopathy (congenital with intellectual disability), type B14. Identifiers: MedGen C3809221, MONDO:0014141, OMIM 615351.
Muscular dystrophy-dystroglycanopathy (congenital with brain and eye anomalies), type A14. Also called: Congenital Muscular Dystrophy-Dystroglycanopathy with Brain and Eye Anomalies Type A 14; Congenital muscular dystrophy-dystroglycanopathy with brain and eye anomalies, type A14; WALKER-WARBURG SYNDROME OR MUSCLE-EYE-BRAIN DISEASE, GMPPB-RELATED; Muscular dystrophy-dystroglycanopathy (congenital with brain and eye anomalies), type a, 14. Identifiers: Orphanet 588, MedGen C3809216, MONDO:0014140, OMIM 615350.

Allele frequency attached by ClinVar (database versions not stated): ExAC 0.00001; gnomAD exomes 0.00001.
gnomAD v4.1: 12 of 1,613,570 alleles (0.00074%); highest among the groups gnomAD compares: Admixed American, 0.0017%; no homozygotes.

Submissions (2):

3billion
Classification: Uncertain significance for Autosomal recessive limb-girdle muscular dystrophy type 2T. Last evaluated: 2025-05-23. Review status: criteria provided, single submitter. Criteria: ACMG Guidelines, 2015. Collection method: clinical testing. Allele origin: germline. Affected: yes.
Comment: The variant is observed at an extremely low frequency in the gnomAD v4.1.0 dataset (total allele frequency: <0.001%). Predicted Consequence/Location: Missense variant In silico tool predictions suggest damaging effect of the variant on gene or gene product [3Cnet: 0.85 (> 0.75, sensitivity 0.96 and precision 0.92)]. A different missense change at the same codon (p.Glu281Gln) has been reported to be associated with GMPPB-related disorder (PMID: 29437916). Therefore, this variant is classified as VUS according to the recommendation of ACMG/AMP guideline.

Labcorp Genetics (formerly Invitae), Labcorp
Classification: Uncertain significance for Autosomal recessive limb-girdle muscular dystrophy type 2T; Muscular dystrophy-dystroglycanopathy (congenital with brain and eye anomalies), type A14; Muscular dystrophy-dystroglycanopathy (congenital with impaired intellectual development), type B, 14. Last evaluated: 2024-02-05. Review status: criteria provided, single submitter. Criteria: Invitae Variant Classification Sherloc (09022015). Collection method: clinical testing. Allele origin: germline.
Comment: This sequence change replaces glutamic acid, which is acidic and polar, with lysine, which is basic and polar, at codon 281 of the GMPPB protein (p.Glu281Lys). This variant is present in population databases (rs748848527, gnomAD 0.003%). This variant has not been reported in the literature in individuals affected with GMPPB-related conditions. Advanced modeling of protein sequence and biophysical properties (such as structural, functional, and spatial information, amino acid conservation, physicochemical variation, residue mobility, and thermodynamic stability) performed at Invitae indicates that this missense variant is not expected to disrupt GMPPB protein function with a negative predictive value of 80%. In summary, the available evidence is currently insufficient to determine the role of this variant in disease. Therefore, it has been classified as a Variant of Uncertain Significance.

Literature cited by the submitters: PubMed 29437916 (cited by 3billion).

NM_021971.4(GMPPB):c.841G>A (p.Glu281Lys)

Gene: GMPPB (GDP-mannose pyrophosphorylase B; minus strand). Cytogenetic location: 3p21.31.
Variant type: single nucleotide variant.
Coding change: c.841G>A on transcript NM_021971.4 (MANE Select); coding-DNA position 841, G replaced by A.
Protein change: p.Glu281Lys; replaces glutamic acid 281 with lysine.
Molecular consequence: missense variant.
Genome position (GRCh38, 1-based): chr3:49,722,075, C>T on the plus strand (G>A on the coding strand, the complement: GMPPB is on the minus strand). VCF-style: chr3-49722075-C-T. GRCh37 (hg19) VCF-style: chr3-49759508-C-T.
Other names: c.841G>A, p.Glu281Lys (NM_013334.4); short protein forms E281K.
Identifiers: ClinVar variation 2923477 (VCV002923477.4), dbSNP rs748848527, ClinGen allele CA2405425.